The following is an entry in ClinVar:

NM_181523.3(PIK3R1):c.572T>A (p.Leu191Gln)

Gene: PIK3R1 (phosphoinositide-3-kinase regulatory subunit 1; plus strand). Cytogenetic location: 5q13.1.
Variant type: single nucleotide variant.
Coding change: c.572T>A on transcript NM_181523.3 (MANE Select); coding-DNA position 572, T replaced by A.
Protein change: p.Leu191Gln; replaces leucine 191 with glutamine.
Molecular consequence: missense variant.
Genome position (GRCh38, 1-based): chr5:68,279,671, T>A. VCF-style: chr5-68279671-T-A. GRCh37 (hg19) VCF-style: chr5-67575499-T-A.
Other names: short protein forms L191Q.
Identifiers: ClinVar variation 1001790 (VCV001001790.12), dbSNP rs1477562598, ClinGen allele CA359873926.

ClinVar aggregate classification (germline): Uncertain significance (1 of 4 stars; one submission).

Conditions:
Immunodeficiency 36 with lymphoproliferation. Also called: ACTIVATED PI3K-DELTA SYNDROME 2; Activated PI3K Delta Syndrome Type 2 (APDS2); Immunodeficiency 36. Identifiers: Orphanet 397596, Orphanet 693681, MedGen C4014934, MONDO:0014453, OMIM 616005.
Agammaglobulinemia 7, autosomal recessive (AGM7). Also called: AGAMMAGLOBULINEMIA, AUTOSOMAL RECESSIVE, DUE TO PIK3R1 DEFECT. Identifiers: MedGen C3554689, MONDO:0014083, OMIM 615214.
SHORT syndrome. Also called: SHORT STATURE, HYPEREXTENSIBILITY, HERNIA, OCULAR DEPRESSION, RIEGER ANOMALY, AND TEETHING DELAY; PIK3R1-Related SHORT Syndrome; LIPODYSTROPHY, PARTIAL, WITH RIEGER ANOMALY AND SHORT STATURE. Identifiers: Orphanet 3163, MedGen C0878684, MONDO:0010026, OMIM 269880.

Allele frequency attached by ClinVar (database versions not stated): gnomAD exomes below 0.00001 and 0.00001; TOPMed below 0.00001; gnomAD 0.00001.
gnomAD v4.1: 8 of 1,614,022 alleles (0.0005%); highest among the groups gnomAD compares: Non-Finnish European, 0.00068%; no homozygotes.

Submission:

Labcorp Genetics (formerly Invitae), Labcorp
Classification: Uncertain significance for SHORT syndrome; Immunodeficiency 36 with lymphoproliferation; Agammaglobulinemia 7, autosomal recessive. Last evaluated: 2020-10-26. Review status: criteria provided, single submitter. Criteria: Invitae Variant Classification Sherloc (09022015). Collection method: clinical testing. Allele origin: germline.
Comment: This sequence change replaces leucine with glutamine at codon 191 of the PIK3R1 protein (p.Leu191Gln). The leucine residue is weakly conserved and there is a moderate physicochemical difference between leucine and glutamine. This variant is not present in population databases (ExAC no frequency). This variant has not been reported in the literature in individuals with PIK3R1-related conditions. Algorithms developed to predict the effect of missense changes on protein structure and function (SIFT, PolyPhen-2, Align-GVGD) all suggest that this variant is likely to be tolerated, but these predictions have not been confirmed by published functional studies and their clinical significance is uncertain. Algorithms developed to predict the effect of sequence changes on RNA splicing suggest that this variant may create or strengthen a splice site, but this prediction has not been confirmed by published transcriptional studies. In summary, the available evidence is currently insufficient to determine the role of this variant in disease. Therefore, it has been classified as a Variant of Uncertain Significance.